The following is an entry in ClinVar:

ClinVar aggregate classification (germline): Uncertain significance (1 of 4 stars; one submission).

Conditions:
Catecholaminergic polymorphic ventricular tachycardia 1. Also called: VENTRICULAR TACHYCARDIA, STRESS-INDUCED POLYMORPHIC 1; RYR2-Related Catecholaminergic Polymorphic Ventricular Tachycardia; VENTRICULAR TACHYCARDIA, CATECHOLAMINERGIC POLYMORPHIC, 1, WITH OR WITHOUT ATRIAL DYSFUNCTION AND/OR DILATED CARDIOMYOPATHY. Identifiers: Orphanet 3286, MedGen C1631597, MONDO:0011484, OMIM 604772.

Submission:

Labcorp Genetics (formerly Invitae), Labcorp
Classification: Uncertain significance for Catecholaminergic polymorphic ventricular tachycardia 1. Last evaluated: 2025-08-29. Review status: criteria provided, single submitter. Criteria: Invitae Variant Classification Sherloc (09022015). Collection method: clinical testing. Allele origin: germline.
Comment: This sequence change replaces serine, which is neutral and polar, with proline, which is neutral and non-polar, at codon 2683 of the RYR2 protein (p.Ser2683Pro). This variant is not present in population databases (gnomAD no frequency). This variant has not been reported in the literature in individuals affected with RYR2-related conditions. Invitae Evidence Modeling of protein sequence and biophysical properties (such as structural, functional, and spatial information, amino acid conservation, physicochemical variation, residue mobility, and thermodynamic stability) indicates that this missense variant is not expected to disrupt RYR2 protein function with a negative predictive value of 95%. In summary, the available evidence is currently insufficient to determine the role of this variant in disease. Therefore, it has been classified as a Variant of Uncertain Significance.

NM_001035.3(RYR2):c.8047T>C (p.Ser2683Pro)

Gene: RYR2 (ryanodine receptor 2; plus strand). Cytogenetic location: 1q43.
Variant type: single nucleotide variant.
Coding change: c.8047T>C on transcript NM_001035.3 (MANE Select); coding-DNA position 8047, T replaced by C.
Protein change: p.Ser2683Pro; replaces serine 2683 with proline.
Molecular consequence: missense variant.
Genome position (GRCh38, 1-based): chr1:237,655,902, T>C. VCF-style: chr1-237655902-T-C. GRCh37 (hg19) VCF-style: chr1-237819202-T-C.
Other names: short protein forms S2683P.
Identifiers: ClinVar variation 4800092 (VCV004800092.1).